The following is an entry in ClinVar:

ClinVar aggregate classification (germline): Uncertain significance. Review status: criteria provided, multiple submitters, no conflicts (2 of 4 stars). 2 submissions from 2 submitters: Uncertain significance (2). Last evaluated 2022-10-08.

Conditions:
Developmental and epileptic encephalopathy, 1 (DEE1). Also called: X-linked infantile spasms; West's syndrome; Tonic spasms with clustering, arrest of psychomotor development and hypsarrhythmia on EEG; X-Linked Infantile Spasm Syndrome; INFANTILE SPASM SYNDROME, X-LINKED 1; Epileptic encephalopathy, early infantile, 1. Identifiers: MedGen C3463992, MONDO:0010632, OMIM 308350. Disease mechanism: loss of function.
Intellectual disability, X-linked, with or without seizures, ARX-related. Also called: MENTAL RETARDATION, X-LINKED 29; MENTAL RETARDATION, X-LINKED 32; MENTAL RETARDATION, X-LINKED 33; MENTAL RETARDATION, X-LINKED 38; MENTAL RETARDATION, X-LINKED 43; MENTAL RETARDATION, X-LINKED 76. Identifiers: Orphanet 777, MedGen C0796244, MONDO:0010317, OMIM 300419.

Allele frequency attached by ClinVar (database versions not stated): TOPMed 0.00001.

Submissions (2):

Revvity Omics, Revvity
Classification: Uncertain significance. Last evaluated: 2022-10-08. Review status: criteria provided, single submitter. Criteria: ACMG Guidelines, 2015. Collection method: clinical testing. Allele origin: germline.

Labcorp Genetics (formerly Invitae), Labcorp
Classification: Uncertain significance for Developmental and epileptic encephalopathy, 1; Intellectual disability, X-linked, with or without seizures, ARX-related. Last evaluated: 2022-09-27. Review status: criteria provided, single submitter. Criteria: Invitae Variant Classification Sherloc (09022015). Collection method: clinical testing. Allele origin: germline.
Comment: This sequence change replaces alanine, which is neutral and non-polar, with threonine, which is neutral and polar, at codon 125 of the ARX protein (p.Ala125Thr). The frequency data for this variant in the population databases is considered unreliable, as metrics indicate insufficient coverage at this position in the gnomAD database. This variant has not been reported in the literature in individuals affected with ARX-related conditions. ClinVar contains an entry for this variant (Variation ID: 1395940). Advanced modeling of protein sequence and biophysical properties (such as structural, functional, and spatial information, amino acid conservation, physicochemical variation, residue mobility, and thermodynamic stability) performed at Invitae indicates that this missense variant is not expected to disrupt ARX protein function. In summary, the available evidence is currently insufficient to determine the role of this variant in disease. Therefore, it has been classified as a Variant of Uncertain Significance.

NM_139058.3(ARX):c.373G>A (p.Ala125Thr)

Genes: ARX (aristaless related homeobox; minus strand), LOC109610631 (aristaless related homeobox polyalanine expansion region; plus strand). Cytogenetic location: Xp21.3.
Variant type: single nucleotide variant.
Coding change: c.373G>A on transcript NM_139058.3 (MANE Select); coding-DNA position 373, G replaced by A.
Protein change: p.Ala125Thr; replaces alanine 125 with threonine.
Molecular consequence: missense variant.
Genome position (GRCh38, 1-based): chrX:25,013,622, C>T on the plus strand (G>A on the coding strand, the complement: ARX is on the minus strand). VCF-style: chrX-25013622-C-T. GRCh37 (hg19) VCF-style: chrX-25031739-C-T.
Other names: short protein forms A125T.
Identifiers: ClinVar variation 1395940 (VCV001395940.7), dbSNP rs1349449662, ClinGen allele CA412613312.